The following is an entry in ClinVar:

ClinVar aggregate classification (germline): Uncertain significance (1 of 4 stars; one submission).

gnomAD v4.1: 2 of 1,613,686 alleles (0.00012%); no homozygotes.

Submission:

Labcorp Genetics (formerly Invitae), Labcorp
Classification: Uncertain significance. Last evaluated: 2025-02-16. Review status: criteria provided, single submitter. Criteria: Invitae Variant Classification Sherloc (09022015). Collection method: clinical testing. Allele origin: germline.
Comment: This sequence change replaces tyrosine, which is neutral and polar, with aspartic acid, which is acidic and polar, at codon 2552 of the PCLO protein (p.Tyr2552Asp). This variant is not present in population databases (gnomAD no frequency). This variant has not been reported in the literature in individuals affected with PCLO-related conditions. Experimental studies and prediction algorithms are not available or were not evaluated, and the functional significance of this variant is currently unknown. In summary, the available evidence is currently insufficient to determine the role of this variant in disease. Therefore, it has been classified as a Variant of Uncertain Significance.

NM_033026.6(PCLO):c.7654T>G (p.Tyr2552Asp)

Gene: PCLO (piccolo presynaptic cytomatrix protein; minus strand). Cytogenetic location: 7q21.11.
Variant type: single nucleotide variant.
Coding change: c.7654T>G on transcript NM_033026.6 (MANE Select); coding-DNA position 7654, T replaced by G.
Protein change: p.Tyr2552Asp; replaces tyrosine 2552 with aspartic acid.
Molecular consequence: missense variant.
Genome position (GRCh38, 1-based): chr7:82,953,299, A>C on the plus strand (T>G on the coding strand, the complement: PCLO is on the minus strand). VCF-style: chr7-82953299-A-C. GRCh37 (hg19) VCF-style: chr7-82582615-A-C.
Other names: c.7654T>G, p.Tyr2552Asp (NM_014510.3); short protein forms Y2552D.
Identifiers: ClinVar variation 4809720 (VCV004809720.1).
Genomic context (GRCh38, chr7:82,953,299, plus strand): 5'-ATCTTGGTGAAGACTTGTTGGAGTGTGGGGAAAGTGGGGAGGTAGGGGAAGGCAATTTAT[A>C]ATCTGCTGAAGTCACTAAATTTAAGGTCATACTTGAAGTTAAAGATAGGCCTGTTGGTTT-3'
Protein context (NP_149015.2, residues 2542-2562): MTLNLVTSAD[Tyr2552Asp]KLPSPTSPLS